The following is an entry in ClinVar:

ClinVar aggregate classification (germline): Uncertain significance (1 of 4 stars; one submission).

Allele frequency attached by ClinVar (database versions not stated): gnomAD 0.00001.
gnomAD v4.1: 1 of 1,614,082 alleles (0.000062%); highest among the groups gnomAD compares: African/African-American, 0.0013%; no homozygotes.

Submission:

Labcorp Genetics (formerly Invitae), Labcorp
Classification: Uncertain significance. Last evaluated: 2022-04-10. Review status: criteria provided, single submitter. Criteria: Invitae Variant Classification Sherloc (09022015). Collection method: clinical testing. Allele origin: germline.
Comment: This sequence change replaces lysine, which is basic and polar, with glutamic acid, which is acidic and polar, at codon 2258 of the LAMA1 protein (p.Lys2258Glu). This variant is present in population databases (no rsID available, gnomAD 0.007%). This variant has not been reported in the literature in individuals affected with LAMA1-related conditions. Algorithms developed to predict the effect of missense changes on protein structure and function are either unavailable or do not agree on the potential impact of this missense change (SIFT: "Tolerated"; PolyPhen-2: "Probably Damaging"; Align-GVGD: "Class C0"). In summary, the available evidence is currently insufficient to determine the role of this variant in disease. Therefore, it has been classified as a Variant of Uncertain Significance.

NM_005559.4(LAMA1):c.6772A>G (p.Lys2258Glu)

Gene: LAMA1 (laminin subunit alpha 1; minus strand). Cytogenetic location: 18p11.31.
Variant type: single nucleotide variant.
Coding change: c.6772A>G on transcript NM_005559.4 (MANE Select); coding-DNA position 6772, A replaced by G.
Protein change: p.Lys2258Glu; replaces lysine 2258 with glutamic acid.
Molecular consequence: missense variant.
Genome position (GRCh38, 1-based): chr18:6,973,059, T>C on the plus strand (A>G on the coding strand, the complement: LAMA1 is on the minus strand). VCF-style: chr18-6973059-T-C. GRCh37 (hg19) VCF-style: chr18-6973058-T-C.
Other names: short protein forms K2258E.
Identifiers: ClinVar variation 2124438 (VCV002124438.4), dbSNP rs1425511585, ClinGen allele CA401828373.
Genomic context (GRCh38, chr18:6,973,059, plus strand): 5'-TTATATATAGGTAAAATCAGTCAATCAGTCCTGTTCAGAAGAACTTTCGTAATGTTACCT[T>C]GATTTGTCCTCCAAGACCTCCAACAAACATGAGTGTTGAATTGTTTACATCCAGAACATT-3'
Protein context (NP_005550.2, residues 2248-2268): MFVGGLGGQI[Lys2258Glu]KSPAVKVTHF